The following is an entry in ClinVar:

ClinVar aggregate classification (germline): Uncertain significance. Review status: criteria provided, multiple submitters, no conflicts (2 of 4 stars). 3 submissions from 3 submitters: Uncertain significance (3). Last evaluated 2024-01-04.

Conditions:
Idiopathic generalized epilepsy. Also called: Generalised epilepsy; EIG. Identifiers: MedGen C0270850, MONDO:0005579, OMIM 600669.
Hyperaldosteronism, familial, type IV (HALD4). Also called: FH IV; ALDOSTERONISM, PRIMARY, AND HYPERTENSION. Identifiers: Orphanet 642671, MedGen C4310756, MONDO:0014875, OMIM 617027.

Allele frequency attached by ClinVar (database versions not stated): ExAC 0.00003; gnomAD exomes below 0.00001.
gnomAD v4.1: 2 of 1,611,646 alleles (0.00012%); highest among the groups gnomAD compares: African/African-American, 0.0013%; no homozygotes.

Submissions (3):

Women's Health and Genetics/Laboratory Corporation of America, LabCorp
Classification: Uncertain significance. Last evaluated: 2024-01-04. Review status: criteria provided, single submitter. Criteria: LabCorp Variant Classification Summary - May 2015. Collection method: clinical testing. Allele origin: germline.
Comment: Variant summary: CACNA1H c.5206C>T (p.Arg1736Cys) results in a non-conservative amino acid change located in the Ion transport domain (IPR005821) of the encoded protein sequence. Five of five in-silico tools predict a damaging effect of the variant on protein function. The variant allele was found at a frequency of 4.1e-06 in 244482 control chromosomes. The available data on variant occurrences in the general population are insufficient to allow any conclusion about variant significance. c.5206C>T has been reported in the literature as heterozygous in at least one individual affected with classical trigeminal neuralgia type 2 (e.g. Dong_2020). However, this report does not provide unequivocal conclusions about association of the variant with Idiopathic Generalized Epilepsy. At least one publication reports experimental evidence evaluating an impact on protein function (e.g. Mustafa_2022). These results showed no damaging effect of this variant on electrical activation and inactivation properties in vitro compared to wild-type. The following publications have been ascertained in the context of this evaluation (PMID: 33083721, 36397158). One submitter has cited clinical-significance assessments for this variant to ClinVar after 2014 and has classified the variant as uncertain significance. Based on the evidence outlined above, the variant was classified as uncertain significance.

GeneDx
Classification: Uncertain significance. Last evaluated: 2023-04-06. Review status: criteria provided, single submitter. Criteria: GeneDx Variant Classification Process June 2021. Collection method: clinical testing. Allele origin: germline. Affected: yes.
Comment: Not observed at significant frequency in large population cohorts (gnomAD); In silico analysis supports that this missense variant has a deleterious effect on protein structure/function; A published functional study did not demonstrate a damaging effect (Mustaf et al. 2022); Observed in an individual with trigeminal neuralgia in published literature (Dong et al., 2020); This variant is associated with the following publications: (PMID: 33083721, 36397158)

Labcorp Genetics (formerly Invitae), Labcorp
Classification: Uncertain significance for Idiopathic generalized epilepsy; Hyperaldosteronism, familial, type IV. Last evaluated: 2022-08-16. Review status: criteria provided, single submitter. Criteria: Invitae Variant Classification Sherloc (09022015). Collection method: clinical testing. Allele origin: germline.
Comment: In summary, the available evidence is currently insufficient to determine the role of this variant in disease. Therefore, it has been classified as a Variant of Uncertain Significance. Algorithms developed to predict the effect of sequence changes on RNA splicing suggest that this variant may create or strengthen a splice site. Algorithms developed to predict the effect of missense changes on protein structure and function (SIFT, PolyPhen-2, Align-GVGD) all suggest that this variant is likely to be disruptive. ClinVar contains an entry for this variant (Variation ID: 1465278). This variant has not been reported in the literature in individuals affected with CACNA1H-related conditions. The frequency data for this variant in the population databases is considered unreliable, as metrics indicate poor data quality at this position in the gnomAD database. This sequence change replaces arginine, which is basic and polar, with cysteine, which is neutral and slightly polar, at codon 1736 of the CACNA1H protein (p.Arg1736Cys).

Literature cited by the submitters: PubMed 33083721 (cited by Women's Health and Genetics/Laboratory Corporation of America, LabCorp); PubMed 36397158 (cited by Women's Health and Genetics/Laboratory Corporation of America, LabCorp).

NM_021098.3(CACNA1H):c.5206C>T (p.Arg1736Cys)

Gene: CACNA1H (calcium voltage-gated channel subunit alpha1 H; plus strand). Cytogenetic location: 16p13.3.
Variant type: single nucleotide variant.
Coding change: c.5206C>T on transcript NM_021098.3 (MANE Select); coding-DNA position 5206, C replaced by T.
Protein change: p.Arg1736Cys; replaces arginine 1736 with cysteine.
Molecular consequence: missense variant.
Genome position (GRCh38, 1-based): chr16:1,215,555, C>T. VCF-style: chr16-1215555-C-T. GRCh37 (hg19) VCF-style: chr16-1265555-C-T.
Other names: c.5188C>T, p.Arg1730Cys (NM_001005407.2); c.5206C>T (NM_021098.2); short protein forms R1736C, R1730C.
Identifiers: ClinVar variation 1465278 (VCV001465278.10), dbSNP rs750143885, ClinGen allele CA7801872.